The following is an entry in ClinVar:

NC_000013.11:g.83214607_83219840del

Variant type: Deletion.
Genome position: GRCh38: chr13:83,214,607-83,219,840. GRCh37 (hg19): chr13:83,788,742-83,793,975.
Identifiers: ClinVar variation 157287 (VCV000157287.3), ClinGen allele CA212364.

ClinVar aggregate classification (germline): not provided (0 of 4 stars; one submission).

Conditions:
Gestational diabetes mellitus uncontrolled. Identifiers: MedGen C3532257.

Submission:

Institute of Molecular and Cell Biology, University of Tartu
No classification provided. Condition: Gestational diabetes mellitus uncontrolled. Review status: no classification provided. Collection method: case-control. Allele origin: unknown. Affected: yes. Study: Kasak2014.
Comment: The study aimed to determine the contribution of copy number variants in the genetic etiology of normal and complicated pregnancies. The samples represented (i) maternal blood DNA drawn from healthy pregnant women during 1st or 2nd trimester and (ii) maternal and paternal blood DNA drawn at term pregnancy cases representing normal and complicated gestations (severe preeclampsia, PE; gestational diabetes, GD; small-for-gestational age newborn, SGA; large-for-gestational age newborn, LGA). We performed CNV calling based on genome-wide genotyping dataset (Illumina HumanOmniExpress-24-v1 BeadChip) by applying three algorithms, QuantiSNP, GADA (Genome Alteration Detection Algorithm) and CNstream in parallel. The acquired CNV calls were merged with HD-CNV (Hotspot Detector for Copy Number Variants) program and only the CNVs predicted by at least two programs, were considered in subsequent analysis.

Literature cited by the submitters: PubMed 25666259.